The following is an entry in ClinVar:

ClinVar aggregate classification (germline): Uncertain significance (1 of 4 stars; one submission).

Conditions:
Developmental and epileptic encephalopathy, 53. Also called: Epileptic encephalopathy, early infantile, 53. Identifiers: MedGen C4479313, MONDO:0033362, OMIM 617389.
Early-onset Parkinson disease 20. Also called: PARKINSON DISEASE 20, AUTOSOMAL RECESSIVE EARLY-ONSET. Identifiers: Orphanet 391411, MedGen C3809824, MONDO:0014233, OMIM 615530.

Allele frequency attached by ClinVar (database versions not stated): gnomAD exomes below 0.00001.
gnomAD v4.1: 4 of 1,614,118 alleles (0.00025%); highest among the groups gnomAD compares: Non-Finnish European, 0.00034%; no homozygotes.

Submission:

Labcorp Genetics (formerly Invitae), Labcorp
Classification: Uncertain significance for Developmental and epileptic encephalopathy, 53; Early-onset Parkinson disease 20. Last evaluated: 2022-05-12. Review status: criteria provided, single submitter. Criteria: Invitae Variant Classification Sherloc (09022015). Collection method: clinical testing. Allele origin: germline.
Comment: This sequence change replaces glycine, which is neutral and non-polar, with serine, which is neutral and polar, at codon 1076 of the SYNJ1 protein (p.Gly1076Ser). This variant is not present in population databases (gnomAD no frequency). This variant has not been reported in the literature in individuals affected with SYNJ1-related conditions. Algorithms developed to predict the effect of missense changes on protein structure and function (SIFT, PolyPhen-2, Align-GVGD) all suggest that this variant is likely to be tolerated. In summary, the available evidence is currently insufficient to determine the role of this variant in disease. Therefore, it has been classified as a Variant of Uncertain Significance.

NM_203446.3(SYNJ1):c.3109G>A (p.Gly1037Ser)

Gene: SYNJ1 (synaptojanin 1; minus strand). Cytogenetic location: 21q22.11.
Variant type: single nucleotide variant.
Coding change: c.3109G>A on transcript NM_203446.3 (MANE Select); coding-DNA position 3109, G replaced by A.
Protein change: p.Gly1037Ser; replaces glycine 1037 with serine.
Molecular consequence: missense variant.
Genome position (GRCh38, 1-based): chr21:32,646,531, C>T on the plus strand (G>A on the coding strand, the complement: SYNJ1 is on the minus strand). VCF-style: chr21-32646531-C-T. GRCh37 (hg19) VCF-style: chr21-34018841-C-T.
Other names: c.3109G>A, p.Gly1037Ser (NM_001160302.2); c.3094G>A, p.Gly1032Ser (NM_001160306.2); c.3226G>A, p.Gly1076Ser (NM_003895.4); short protein forms G1037S, G1032S, G1076S.
Identifiers: ClinVar variation 2193742 (VCV002193742.1), dbSNP rs2517444414, ClinGen allele CA410069608.